The following is an entry in ClinVar:

NM_052813.5(CARD9):c.1078-1G>A

Gene: CARD9 (caspase recruitment domain family member 9; minus strand). Cytogenetic location: 9q34.3.
Variant type: single nucleotide variant.
Coding change: c.1078-1G>A on transcript NM_052813.5 (MANE Select); the canonical splice acceptor site of the intron before coding-DNA position 1078, G replaced by A.
Molecular consequence: splice acceptor variant.
Genome position (GRCh38, 1-based): chr9:136,367,829, C>T on the plus strand (G>A on the coding strand, the complement: CARD9 is on the minus strand). VCF-style: chr9-136367829-C-T. GRCh37 (hg19) VCF-style: chr9-139262281-C-T.
Other names: c.1078-1G>A (NM_052814.4).
Identifiers: ClinVar variation 1500511 (VCV001500511.6), dbSNP rs1272762412, ClinGen allele CA375542973.

ClinVar aggregate classification (germline): Likely pathogenic (1 of 4 stars; one submission).

Conditions:
Predisposition to invasive fungal disease due to CARD9 deficiency (IMD103). Also called: Candidiasis, familial, 2, autosomal recessive; IMMUNODEFICIENCY 103, SUSCEPTIBILITY TO FUNGAL INFECTIONS; CARD9 IMMUNODEFICIENCY. Identifiers: Orphanet 457088, MedGen C1859353, MONDO:0008905, OMIM 212050.

Allele frequency attached by ClinVar (database versions not stated): gnomAD exomes below 0.00001 and 0.00001.
gnomAD v4.1: 12 of 1,598,398 alleles (0.00075%); highest among the groups gnomAD compares: South Asian, 0.0022%; 1 homozygote.

Submission:

Labcorp Genetics (formerly Invitae), Labcorp
Classification: Likely pathogenic for Predisposition to invasive fungal disease due to CARD9 deficiency. Last evaluated: 2023-02-27. Review status: criteria provided, single submitter. Criteria: Invitae Variant Classification Sherloc (09022015). Collection method: clinical testing. Allele origin: germline.
Comment: In summary, the currently available evidence indicates that the variant is pathogenic, but additional data are needed to prove that conclusively. Therefore, this variant has been classified as Likely Pathogenic. Algorithms developed to predict the effect of sequence changes on RNA splicing suggest that this variant may disrupt the consensus splice site. ClinVar contains an entry for this variant (Variation ID: 1500511). This variant has not been reported in the literature in individuals affected with CARD9-related conditions. This variant is present in population databases (no rsID available, gnomAD 0.001%). This sequence change affects an acceptor splice site in intron 7 of the CARD9 gene. It is expected to disrupt RNA splicing. Variants that disrupt the donor or acceptor splice site typically lead to a loss of protein function (PMID: 16199547), and loss-of-function variants in CARD9 are known to be pathogenic (PMID: 19864672, 24131138, 24231284).

Literature cited by the submitters: PubMed 16199547; PubMed 19864672; PubMed 24131138; PubMed 24231284.